The following is an entry in ClinVar:

NM_004168.4(SDHA):c.1774C>T (p.His592Tyr)

Gene: SDHA (succinate dehydrogenase complex flavoprotein subunit A; plus strand). Cytogenetic location: 5p15.33.
Variant type: single nucleotide variant.
Coding change: c.1774C>T on transcript NM_004168.4 (MANE Select); coding-DNA position 1774, C replaced by T.
Protein change: p.His592Tyr; replaces histidine 592 with tyrosine.
Molecular consequence: missense variant. On other transcripts: intron variant (1).
Genome position (GRCh38, 1-based): chr5:251,448, C>T. VCF-style: chr5-251448-C-T. GRCh37 (hg19) VCF-style: chr5-251563-C-T.
Other names: c.1630C>T, p.His544Tyr (NM_001294332.2); c.1552-2945C>T (NM_001330758.2); short protein forms H544Y, H592Y.
Identifiers: ClinVar variation 662449 (VCV000662449.9), dbSNP rs1579439269, ClinGen allele CA359000382.

ClinVar aggregate classification (germline): Uncertain significance (1 of 4 stars; one submission).

Conditions:
Pheochromocytoma/paraganglioma syndrome 5. Also called: Paragangliomas 5; SDHA-Related Hereditary Paraganglioma-Pheochromocytoma Syndrome. Identifiers: Orphanet 29072, MedGen C3279992, MONDO:0013602, OMIM 614165.
Mitochondrial complex II deficiency, nuclear type 1. Also called: SUCCINATE CoQ REDUCTASE DEFICIENCY. Identifiers: Orphanet 3208, MedGen C5700310, MONDO:0100294, OMIM 252011.

Submission:

Labcorp Genetics (formerly Invitae), Labcorp
Classification: Uncertain significance for Pheochromocytoma/paraganglioma syndrome 5; Mitochondrial complex II deficiency, nuclear type 1. Last evaluated: 2022-11-22. Review status: criteria provided, single submitter. Criteria: Invitae Variant Classification Sherloc (09022015). Collection method: clinical testing. Allele origin: germline.
Comment: In summary, the available evidence is currently insufficient to determine the role of this variant in disease. Therefore, it has been classified as a Variant of Uncertain Significance. Advanced modeling of protein sequence and biophysical properties (such as structural, functional, and spatial information, amino acid conservation, physicochemical variation, residue mobility, and thermodynamic stability) has been performed at Invitae for this missense variant, however the output from this modeling did not meet the statistical confidence thresholds required to predict the impact of this variant on SDHA protein function. ClinVar contains an entry for this variant (Variation ID: 662449). This variant has not been reported in the literature in individuals affected with SDHA-related conditions. This variant is not present in population databases (gnomAD no frequency). This sequence change replaces histidine, which is basic and polar, with tyrosine, which is neutral and polar, at codon 592 of the SDHA protein (p.His592Tyr).